The following is an entry in ClinVar:

ClinVar aggregate classification (germline): Pathogenic (1 of 4 stars; one submission).

Allele frequency attached by ClinVar (database versions not stated): TOPMed below 0.00001; gnomAD 0.00001.

Submission:

Labcorp Genetics (formerly Invitae), Labcorp
Classification: Pathogenic. Last evaluated: 2025-09-08. Review status: criteria provided, single submitter. Criteria: Invitae Variant Classification Sherloc (09022015). Collection method: clinical testing. Allele origin: germline.
Comment: This sequence change creates a premature translational stop signal (p.Thr37Asnfs*5) in the MTTP gene. It is expected to result in an absent or disrupted protein product. Loss-of-function variants in MTTP are known to be pathogenic (PMID: 8533758, 9671739). This variant is not present in population databases (gnomAD no frequency). This variant has not been reported in the literature in individuals affected with MTTP-related conditions. ClinVar contains an entry for this variant (Variation ID: 2745785). For these reasons, this variant has been classified as Pathogenic.

Literature cited by the submitters: PubMed 8533758; PubMed 9671739.

NM_001386140.1(MTTP):c.109dup (p.Thr37fs)

Gene: MTTP (microsomal triglyceride transfer protein; plus strand). Cytogenetic location: 4q23.
Variant type: Duplication.
Coding change: c.109dup on transcript NM_001386140.1 (MANE Select); coding-DNA position 109, one base duplicated (A; older notation c.109dupA).
Protein change: p.Thr37fs; shifts the reading frame from threonine 37.
Molecular consequence: frameshift variant. On other transcripts: 5 prime UTR variant (1).
Genome position (GRCh38, 1-based): chr4:99,581,952, A duplicated. VCF-style (leftmost placement, unchanged base first): chr4-99581951-C-CA. GRCh37 (hg19) VCF-style: chr4-100503108-C-CA.
Other names: c.109dup, p.Thr37fs (NM_000253.4); c.-141dup (NM_001300785.2); short protein forms T37fs.
Identifiers: ClinVar variation 2745785 (VCV002745785.3), dbSNP rs1725126993, ClinGen allele CA1065938872.